The following is an entry in ClinVar:

NM_138694.4(PKHD1):c.8642G>A (p.Arg2881Lys)

Gene: PKHD1 (PKHD1 ciliary IPT domain containing fibrocystin/polyductin; minus strand). Cytogenetic location: 6p12.3.
Variant type: single nucleotide variant.
Coding change: c.8642G>A on transcript NM_138694.4 (MANE Select); coding-DNA position 8642, G replaced by A.
Protein change: p.Arg2881Lys; replaces arginine 2881 with lysine.
Molecular consequence: missense variant.
Genome position (GRCh38, 1-based): chr6:51,772,702, C>T on the plus strand (G>A on the coding strand, the complement: PKHD1 is on the minus strand). VCF-style: chr6-51772702-C-T. GRCh37 (hg19) VCF-style: chr6-51637500-C-T.
Other names: c.8642G>A, p.Arg2881Lys (NM_170724.3); short protein forms R2881K.
Identifiers: ClinVar variation 2632810 (VCV002632810.1), dbSNP rs2534278037, ClinGen allele CA364434750.

ClinVar aggregate classification (germline): Uncertain significance (1 of 4 stars; one submission).

Conditions:
PKHD1-related disorder. Also called: PKHD1-related condition.

Submission:

PreventionGenetics, part of Exact Sciences
Classification: Uncertain significance for PKHD1-related condition. Last evaluated: 2023-05-10. Review status: criteria provided, single submitter. Criteria: ACMG Guidelines, 2015. Collection method: clinical testing. Allele origin: germline.
Comment: The PKHD1 c.8642G>A variant is predicted to result in the amino acid substitution p.Arg2881Lys. To our knowledge, this variant has not been reported in the literature or in a large population database, indicating this variant is rare. At this time, the clinical significance of this variant is uncertain due to the absence of conclusive functional and genetic evidence.